The following is an entry in ClinVar:

NM_004304.5(ALK):c.3346A>C (p.Ile1116Leu)

Gene: ALK (ALK receptor tyrosine kinase; minus strand). Cytogenetic location: 2p23.2.
Variant type: single nucleotide variant.
Coding change: c.3346A>C on transcript NM_004304.5 (MANE Select); coding-DNA position 3346, A replaced by C.
Protein change: p.Ile1116Leu; replaces isoleucine 1116 with leucine.
Molecular consequence: missense variant.
Genome position (GRCh38, 1-based): chr2:29,223,355, T>G on the plus strand (A>C on the coding strand, the complement: ALK is on the minus strand). VCF-style: chr2-29223355-T-G. GRCh37 (hg19) VCF-style: chr2-29446221-T-G.
Other names: c.142A>C, p.Ile48Leu (NM_001353765.2); short protein forms I1116L, I48L.
Identifiers: ClinVar variation 823639 (VCV000823639.4), dbSNP rs1573125125, ClinGen allele CA346464644.

ClinVar aggregate classification (germline): Uncertain significance (1 of 4 stars; one submission).

Conditions:
Hereditary cancer-predisposing syndrome. Also called: Neoplastic Syndromes, Hereditary; Tumor predisposition; Hereditary neoplastic syndrome; Hereditary Cancer Syndrome. Identifiers: Orphanet 140162, MedGen C0027672, MeSH D009386, MONDO:0015356.

Allele frequency attached by ClinVar (database versions not stated): TOPMed below 0.00001.

Submission:

Ambry Genetics
Classification: Uncertain significance for Hereditary cancer-predisposing syndrome. Last evaluated: 2018-06-28. Review status: criteria provided, single submitter. Criteria: Ambry Variant Classification Scheme 2023. Collection method: clinical testing. Allele origin: germline.
Comment: The p.I1116L variant (also known as c.3346A>C), located in coding exon 20 of the ALK gene, results from an A to C substitution at nucleotide position 3346. The isoleucine at codon 1116 is replaced by leucine, an amino acid with highly similar properties. This amino acid position is highly conserved in available vertebrate species. In addition, the in silico prediction for this alteration is inconclusive. Since supporting evidence is limited at this time, the clinical significance of this alteration remains unclear.